The following is an entry in ClinVar:

ClinVar aggregate classification (germline): Uncertain significance. Review status: criteria provided, multiple submitters, no conflicts (2 of 4 stars). 3 submissions from 3 submitters: Uncertain significance (3). Last evaluated 2024-02-27.

Conditions:
Fraser syndrome 3. Identifiers: MedGen C4540040, MONDO:0054739, OMIM 617667.
Inborn genetic diseases. Identifiers: MedGen C0950123, MeSH D030342.

Allele frequency attached by ClinVar (database versions not stated): ExAC 0.00007.
gnomAD v4.1: 39 of 1,612,160 alleles (0.0024%); highest among the groups gnomAD compares: East Asian, 0.085%; no homozygotes.

Submissions (3):

Fulgent Genetics
Classification: Uncertain significance for Fraser syndrome 3. Last evaluated: 2024-02-27. Review status: criteria provided, single submitter. Criteria: ACMG Guidelines, 2015. Collection method: clinical testing. Allele origin: germline.

Ambry Genetics
Classification: Uncertain significance for Inborn genetic diseases. Last evaluated: 2023-06-29. Review status: criteria provided, single submitter. Criteria: Ambry Variant Classification Scheme 2023. Collection method: clinical testing. Allele origin: germline.

GeneDx
Classification: Uncertain significance. Last evaluated: 2022-09-28. Review status: criteria provided, single submitter. Criteria: GeneDx Variant Classification Process June 2021. Collection method: clinical testing. Allele origin: germline. Affected: yes.
Comment: In silico analysis supports that this missense variant does not alter protein structure/function; Has not been previously published as pathogenic or benign to our knowledge

NM_001366722.1(GRIP1):c.2749C>A (p.Arg917Ser)

Gene: GRIP1 (glutamate receptor interacting protein 1; minus strand). Cytogenetic location: 12q14.3.
Variant type: single nucleotide variant.
Coding change: c.2749C>A on transcript NM_001366722.1 (MANE Select); coding-DNA position 2749, C replaced by A.
Protein change: p.Arg917Ser; replaces arginine 917 with serine.
Molecular consequence: missense variant. On other transcripts: intron variant (5).
Genome position (GRCh38, 1-based): chr12:66,377,046, G>T on the plus strand (C>A on the coding strand, the complement: GRIP1 is on the minus strand). VCF-style: chr12-66377046-G-T. GRCh37 (hg19) VCF-style: chr12-66770826-G-T.
Other names: c.2668C>A, p.Arg890Ser (NM_001366723.1); c.2671C>A, p.Arg891Ser (NM_001366724.1); c.2827C>A, p.Arg943Ser (NM_001379345.1); c.2596C>A, p.Arg866Ser (NM_001379349.1); c.2593C>A, p.Arg865Ser (NM_021150.4); c.2577+128C>A (NM_001379351.1, NM_001178074.2); c.2652+128C>A (NM_001379348.1); c.2655+128C>A (NM_001379347.1); and 1 more; short protein forms R865S, R866S, R890S, R891S, R917S, R943S.
Identifiers: ClinVar variation 2446659 (VCV002446659.4), dbSNP rs749173900, ClinGen allele CA6674034.